The following is an entry in ClinVar:

NM_032322.4(RNF135):c.604C>T (p.His202Tyr)

Gene: RNF135 (ring finger protein 135; plus strand). Cytogenetic location: 17q11.2.
Variant type: single nucleotide variant.
Coding change: c.604C>T on transcript NM_032322.4 (MANE Select); coding-DNA position 604, C replaced by T.
Protein change: p.His202Tyr; replaces histidine 202 with tyrosine.
Molecular consequence: missense variant. On other transcripts: intron variant (1).
Genome position (GRCh38, 1-based): chr17:30,988,031, C>T. VCF-style: chr17-30988031-C-T. GRCh37 (hg19) VCF-style: chr17-29315049-C-T.
Other names: c.604C>T, p.His202Tyr (NM_001184992.2); c.516+3271C>T (NM_197939.2); short protein forms H202Y.
Identifiers: ClinVar variation 798603 (VCV000798603.5), dbSNP rs142836972, ClinGen allele CA8485239.

ClinVar aggregate classification (germline): Conflicting classifications of pathogenicity. Review status: criteria provided, conflicting classifications (1 of 4 stars). 2 submissions from 2 submitters: Uncertain significance (1); Likely benign (1). Last evaluated 2026-03-18.

Conditions:
RNF135-related disorder. Also called: RNF135-related condition.

Allele frequency attached by ClinVar (database versions not stated): TOPMed 0.00040; ESP Exome Variant Server 0.00046; 1000 Genomes Project 30x 0.00062; 1000 Genomes Project 0.00080; gnomAD exomes 0.00004 and 0.00010; ExAC 0.00014; gnomAD 0.00032 and 0.00034.

Submissions (2):

PreventionGenetics, part of Exact Sciences
Classification: Uncertain significance for RNF135-related condition. Last evaluated: 2026-03-18. Review status: criteria provided, single submitter. Criteria: ACMG Guidelines, 2015. Collection method: clinical testing. Allele origin: germline.
Comment: The RNF135 c.604C>T variant is predicted to result in the amino acid substitution p.His202Tyr. To our knowledge, this variant has not been reported in the literature. This variant is reported in 0.14% of alleles in individuals of African descent in gnomAD. Although we suspect that this variant may be benign, at this time, the clinical significance of this variant is uncertain due to the absence of conclusive functional and genetic evidence.

Labcorp Genetics (formerly Invitae), Labcorp
Classification: Likely benign. Last evaluated: 2018-12-13. Review status: criteria provided, single submitter. Criteria: Invitae Variant Classification Sherloc (09022015). Collection method: clinical testing. Allele origin: germline.